The following is an entry in ClinVar:

ClinVar aggregate classification (germline): Uncertain significance (1 of 4 stars; one submission).

Conditions:
Duchenne muscular dystrophy (DMD). Also called: MUSCULAR DYSTROPHY, PSEUDOHYPERTROPHIC PROGRESSIVE, DUCHENNE TYPE; Duchenne Muscular Dystrophy (DMD). Identifiers: Orphanet 98896, MedGen C0013264, MONDO:0010679, OMIM 310200.

Submission:

Labcorp Genetics (formerly Invitae), Labcorp
Classification: Uncertain significance for Duchenne muscular dystrophy. Last evaluated: 2024-03-13. Review status: criteria provided, single submitter. Criteria: Invitae Variant Classification Sherloc (09022015). Collection method: clinical testing. Allele origin: germline.
Comment: This sequence change replaces glutamic acid, which is acidic and polar, with glutamine, which is neutral and polar, at codon 2882 of the DMD protein (p.Glu2882Gln). This variant is not present in population databases (gnomAD no frequency). This variant has not been reported in the literature in individuals affected with DMD-related conditions. Advanced modeling of protein sequence and biophysical properties (such as structural, functional, and spatial information, amino acid conservation, physicochemical variation, residue mobility, and thermodynamic stability) performed at Invitae indicates that this missense variant is not expected to disrupt DMD protein function with a negative predictive value of 95%. In summary, the available evidence is currently insufficient to determine the role of this variant in disease. Therefore, it has been classified as a Variant of Uncertain Significance.

NM_004006.3(DMD):c.8644G>C (p.Glu2882Gln)

Gene: DMD (dystrophin; minus strand). Cytogenetic location: Xp21.2.
Variant type: single nucleotide variant.
Coding change: c.8644G>C on transcript NM_004006.3 (MANE Select); coding-DNA position 8644, G replaced by C.
Protein change: p.Glu2882Gln; replaces glutamic acid 2882 with glutamine.
Molecular consequence: missense variant.
Genome position (GRCh38, 1-based): chrX:31,479,007, C>G on the plus strand (G>C on the coding strand, the complement: DMD is on the minus strand). VCF-style: chrX-31479007-C-G. GRCh37 (hg19) VCF-style: chrX-31497124-C-G.
Other names: c.8620G>C, p.Glu2874Gln (NM_000109.4); c.8632G>C, p.Glu2878Gln (NM_004009.3); c.8275G>C, p.Glu2759Gln (NM_004010.3); c.4621G>C, p.Glu1541Gln (NM_004011.4); c.4612G>C, p.Glu1538Gln (NM_004012.4); c.1264G>C, p.Glu422Gln (NM_004013.3, NM_004020.4, NM_004021.3 and 2 more transcripts); c.457G>C, p.Glu153Gln (NM_004014.3); short protein forms E1538Q, E153Q, E422Q, E2874Q, E2878Q, E1541Q, E2759Q, E2882Q.
Identifiers: ClinVar variation 3669509 (VCV003669509.2).